The following is an entry in ClinVar:

ClinVar aggregate classification (germline): Uncertain significance (1 of 4 stars; one submission).

Conditions:
Hereditary cancer-predisposing syndrome. Also called: Tumor predisposition; Hereditary Cancer Syndrome; Hereditary neoplastic syndrome; Neoplastic Syndromes, Hereditary. Identifiers: Orphanet 140162, MedGen C0027672, MeSH D009386, MONDO:0015356.

Submission:

Ambry Genetics
Classification: Uncertain significance for Hereditary cancer-predisposing syndrome. Last evaluated: 2024-06-20. Review status: criteria provided, single submitter. Criteria: Ambry Variant Classification Scheme 2023. Collection method: clinical testing. Allele origin: germline.
Comment: The p.N166D variant (also known as c.496A>G), located in coding exon 4 of the CTNNA1 gene, results from an A to G substitution at nucleotide position 496. The asparagine at codon 166 is replaced by aspartic acid, an amino acid with highly similar properties. This amino acid position is highly conserved in available vertebrate species. In addition, this alteration is predicted to be tolerated by in silico analysis. The evidence for this gene-disease relationship is limited; therefore, the clinical significance of this alteration is unclear.

NM_001903.5(CTNNA1):c.496A>G (p.Asn166Asp)

Gene: CTNNA1 (catenin alpha 1; plus strand). Cytogenetic location: 5q31.2.
Variant type: single nucleotide variant.
Coding change: c.496A>G on transcript NM_001903.5 (MANE Select); coding-DNA position 496, A replaced by G.
Protein change: p.Asn166Asp; replaces asparagine 166 with aspartic acid.
Molecular consequence: missense variant.
Genome position (GRCh38, 1-based): chr5:138,812,210, A>G. VCF-style: chr5-138812210-A-G. GRCh37 (hg19) VCF-style: chr5-138147899-A-G.
Other names: c.496A>G, p.Asn166Asp (NM_001290307.3, NM_001323982.2, NM_001323983.1 and 3 more transcripts); c.187A>G, p.Asn63Asp (NM_001290309.3); c.127A>G, p.Asn43Asp (NM_001290310.3); short protein forms N63D, N43D, N166D.
Identifiers: ClinVar variation 3270105 (VCV003270105.1).